The following is an entry in ClinVar:

NM_001376.5(DYNC1H1):c.5311G>A (p.Gly1771Arg)

Gene: DYNC1H1 (dynein cytoplasmic 1 heavy chain 1; plus strand). Cytogenetic location: 14q32.31.
Variant type: single nucleotide variant.
Coding change: c.5311G>A on transcript NM_001376.5 (MANE Select); coding-DNA position 5311, G replaced by A.
Protein change: p.Gly1771Arg; replaces glycine 1771 with arginine.
Molecular consequence: missense variant.
Genome position (GRCh38, 1-based): chr14:102,005,114, G>A. VCF-style: chr14-102005114-G-A. GRCh37 (hg19) VCF-style: chr14-102471451-G-A.
Other names: short protein forms G1771R.
Identifiers: ClinVar variation 373991 (VCV000373991.23), dbSNP rs139842853, ClinGen allele CA7352398.
Genomic context (GRCh38, chr14:102,005,114, plus strand): 5'-GTTTTGTCAGCCCAGATAGCCTGGTCTGAGAACGTGGAGACCGCACTGAGCAGCATGGGC[G>A]GAGGTGGAGATGCCGCGCCCTTGCACTCTGTGCTGAGCAATGTGGAGGTCACCCTCAATG-3'
Protein context (NP_001367.2, residues 1761-1781): NVETALSSMG[Gly1771Arg]GGDAAPLHSV

ClinVar aggregate classification (germline): Likely benign. Review status: criteria provided, multiple submitters, no conflicts (2 of 4 stars). 7 submissions from 6 submitters: Likely benign (6). 1 of the submissions does not count toward it. Last evaluated 2025-11-23.

Conditions:
Autosomal dominant cerebellar ataxia. Also called: Spinocerebellar Ataxia, Dominant. Identifiers: Orphanet 99, MedGen C4087347, MONDO:0020380.
Charcot-Marie-Tooth disease axonal type 2O. Also called: CHARCOT-MARIE-TOOTH NEUROPATHY, AXONAL, TYPE 2O; CHARCOT-MARIE-TOOTH DISEASE, AXONAL, AUTOSOMAL DOMINANT, TYPE 2O; Charcot-Marie-Tooth Neuropathy Type 2O; Charcot-Marie-Tooth disease, axonal, type 20. Identifiers: Orphanet 284232, MedGen C3280220, MONDO:0013644, OMIM 614228.
Muscle weakness. Identifiers: MedGen C0151786, HP:0001324.
Myopathy. Identifiers: MedGen C0026848, MeSH D009135, MONDO:0005336, HP:0003198.
Inborn genetic diseases. Identifiers: MedGen C0950123, MeSH D030342.

Allele frequency attached by ClinVar (database versions not stated): TOPMed 0.00009; gnomAD 0.00011 and 0.00009; ESP Exome Variant Server 0.00023; gnomAD exomes 0.00004; ExAC 0.00006.
gnomAD v4.1: 77 of 1,614,058 alleles (0.0048%); highest among the groups gnomAD compares: African/African-American, 0.023%; no homozygotes.

Submissions (7):

Labcorp Genetics (formerly Invitae), Labcorp
Classification: Likely benign for Charcot-Marie-Tooth disease axonal type 2O. Last evaluated: 2025-11-23. Review status: criteria provided, single submitter. Criteria: Invitae Variant Classification Sherloc (09022015). Collection method: clinical testing. Allele origin: germline.

Ambry Genetics
Classification: Likely benign for Inborn genetic diseases. Last evaluated: 2021-07-02. Review status: criteria provided, single submitter. Criteria: Ambry Variant Classification Scheme 2023. Collection method: clinical testing. Allele origin: germline.

GeneDx
Classification: Likely benign. Last evaluated: 2020-10-14. Review status: criteria provided, single submitter. Criteria: GeneDx Variant Classification Process June 2021. Collection method: clinical testing. Allele origin: germline. Affected: yes.
Comment: In silico analysis supports that this missense variant does not alter protein structure/function; Has not been previously published as pathogenic or benign to our knowledge; This variant is associated with the following publications: (PMID: 32376792)

Illumina Laboratory Services, Illumina
Classification: Likely benign for Charcot-Marie-Tooth disease axonal type 2O. Last evaluated: 2018-01-13. Review status: criteria provided, single submitter. Criteria: ICSL Variant Classification Criteria 13 December 2019. Collection method: clinical testing. Allele origin: germline.
Comment: This variant was observed in the ICSL laboratory as part of a predisposition screen in an ostensibly healthy population. It had not been previously curated by ICSL or reported in the Human Gene Mutation Database (HGMD: prior to June 1st, 2018), and was therefore a candidate for classification through an automated scoring system. Utilizing variant allele frequency, disease prevalence and penetrance estimates, and inheritance mode, an automated score was calculated to assess if this variant is too frequent to cause the disease. Based on the score and internal cut-off values, a variant classified as likely benign is not then subjected to further curation. The score for this variant resulted in a classification of likely benign for this disease.

Illumina Laboratory Services, Illumina
Classification: Likely benign for Spinocerebellar Ataxia, Dominant. Last evaluated: 2018-01-13. Review status: criteria provided, single submitter. Criteria: ICSL Variant Classification Criteria 13 December 2019. Collection method: clinical testing. Allele origin: germline.
Comment: the same text as in the submission from Illumina Laboratory Services, Illumina above.

Genetic Services Laboratory, University of Chicago
Classification: Likely benign. Last evaluated: 2016-10-05. Review status: criteria provided, single submitter. Criteria: ACMG Guidelines, 2015. Collection method: clinical testing. Allele origin: germline. Affected: no.

Centre for Mendelian Genomics, University Medical Centre Ljubljana
Classification: Uncertain significance for Muscle weakness; Myopathy. Last evaluated: 2016-02-17. Review status: no assertion criteria provided. Collection method: clinical testing. Allele origin: unknown. Affected: yes. Not counted in ClinVar's aggregate classification.